The following is an entry in ClinVar:

ClinVar aggregate classification (germline): Uncertain significance (1 of 4 stars; one submission).

Conditions:
Seizures, benign familial infantile, 3 (BFIS3). Also called: CONVULSIONS, BENIGN FAMILIAL INFANTILE, 3; Familial neonatal seizures. Identifiers: Orphanet 140927, Orphanet 306, MedGen C1843140, MONDO:0011904, OMIM 607745.
Developmental and epileptic encephalopathy, 11 (DEE11). Also called: Early infantile epileptic encephalopathy 11. Identifiers: Orphanet 1934, MedGen C3150987, MONDO:0013388, OMIM 613721.

Allele frequency attached by ClinVar (database versions not stated): gnomAD exomes below 0.00001.

Submission:

Labcorp Genetics (formerly Invitae), Labcorp
Classification: Uncertain significance for Seizures, benign familial infantile, 3; Developmental and epileptic encephalopathy, 11. Last evaluated: 2023-06-28. Review status: criteria provided, single submitter. Criteria: Invitae Variant Classification Sherloc (09022015). Collection method: clinical testing. Allele origin: germline.
Comment: In summary, the available evidence is currently insufficient to determine the role of this variant in disease. Therefore, it has been classified as a Variant of Uncertain Significance. Advanced modeling of protein sequence and biophysical properties (such as structural, functional, and spatial information, amino acid conservation, physicochemical variation, residue mobility, and thermodynamic stability) performed at Invitae indicates that this missense variant is not expected to disrupt SCN2A protein function. This variant has not been reported in the literature in individuals affected with SCN2A-related conditions. This variant is present in population databases (rs555250264, gnomAD 0.0009%). This sequence change replaces methionine, which is neutral and non-polar, with threonine, which is neutral and polar, at codon 1374 of the SCN2A protein (p.Met1374Thr).

NM_001040142.2(SCN2A):c.4121T>C (p.Met1374Thr)

Gene: SCN2A (sodium voltage-gated channel alpha subunit 2; plus strand). Cytogenetic location: 2q24.3.
Variant type: single nucleotide variant.
Coding change: c.4121T>C on transcript NM_001040142.2 (MANE Select); coding-DNA position 4121, T replaced by C.
Protein change: p.Met1374Thr; replaces methionine 1374 with threonine.
Molecular consequence: missense variant.
Genome position (GRCh38, 1-based): chr2:165,374,833, T>C. VCF-style: chr2-165374833-T-C. GRCh37 (hg19) VCF-style: chr2-166231343-T-C.
Other names: c.4121T>C, p.Met1374Thr (NM_001040143.2, NM_001371246.1, NM_001371247.1 and 1 more transcripts); short protein forms M1374T.
Identifiers: ClinVar variation 2938829 (VCV002938829.3), dbSNP rs555250264, ClinGen allele CA1940223.